The following is an entry in ClinVar:

NM_016156.6(MTMR2):c.139T>C (p.Ser47Pro)

Gene: MTMR2 (myotubularin related protein 2; minus strand). Cytogenetic location: 11q21.
Variant type: single nucleotide variant.
Coding change: c.139T>C on transcript NM_016156.6 (MANE Select); coding-DNA position 139, T replaced by C.
Protein change: p.Ser47Pro; replaces serine 47 with proline.
Molecular consequence: missense variant. On other transcripts: 5 prime UTR variant (3).
Genome position (GRCh38, 1-based): chr11:95,888,203, A>G on the plus strand (T>C on the coding strand, the complement: MTMR2 is on the minus strand). VCF-style: chr11-95888203-A-G. GRCh37 (hg19) VCF-style: chr11-95621367-A-G.
Other names: c.-274T>C (NM_001243571.2); c.-201T>C (NM_201278.3); c.-78T>C (NM_201281.3); short protein forms S47P.
Identifiers: ClinVar variation 916797 (VCV000916797.9), dbSNP rs372095826, ClinGen allele CA6240458.

ClinVar aggregate classification (germline): Uncertain significance. Review status: criteria provided, multiple submitters, no conflicts (2 of 4 stars). 3 submissions from 3 submitters: Uncertain significance (3). Last evaluated 2025-04-29.

Conditions:
Charcot-Marie-Tooth disease type 4. Also called: Charcot-Marie-Tooth, Type 4; Charcot-Marie-Tooth disease, type IV. Identifiers: Orphanet 64749, MedGen C4082197, MONDO:0018995.
Charcot-Marie-Tooth disease. Also called: Charcot-Marie-Tooth Hereditary Neuropathy; Charcot-Marie-Tooth Neuropathy. Identifiers: Orphanet 166, MedGen C0007959, MONDO:0015626.

Allele frequency attached by ClinVar (database versions not stated): ExAC 0.00002; gnomAD 0.00002; gnomAD exomes 0.00002 and 0.00003; TOPMed 0.00003; ESP Exome Variant Server 0.00023.
gnomAD v4.1: 42 of 1,613,534 alleles (0.0026%); highest among the groups gnomAD compares: Non-Finnish European, 0.0035%; no homozygotes.

Submissions (3):

Women's Health and Genetics/Laboratory Corporation of America, LabCorp
Classification: Uncertain significance. Last evaluated: 2025-04-29. Review status: criteria provided, single submitter. Criteria: LabCorp Variant Classification Summary - May 2015. Collection method: clinical testing. Allele origin: germline.
Comment: Variant summary: MTMR2 c.139T>C (p.Ser47Pro) results in a non-conservative amino acid change in the encoded protein sequence. Three of five in-silico tools predict a damaging effect of the variant on protein function. The variant allele was found at a frequency of 2.4e-05 in 251262 control chromosomes (gnomAD). The available data on variant occurrences in the general population are insufficient to allow any conclusion about variant significance. To our knowledge, no occurrence of c.139T>C in individuals affected with Charcot-Marie-Tooth disease type 4B1 and no experimental evidence demonstrating its impact on protein function have been reported. ClinVar contains an entry for this variant (Variation ID: 916797). Based on the evidence outlined above, the variant was classified as uncertain significance.

Labcorp Genetics (formerly Invitae), Labcorp
Classification: Uncertain significance for Charcot-Marie-Tooth disease type 4. Last evaluated: 2022-08-13. Review status: criteria provided, single submitter. Criteria: Invitae Variant Classification Sherloc (09022015). Collection method: clinical testing. Allele origin: germline.
Comment: This sequence change replaces serine, which is neutral and polar, with proline, which is neutral and non-polar, at codon 47 of the MTMR2 protein (p.Ser47Pro). This variant is present in population databases (rs372095826, gnomAD 0.004%). This variant has not been reported in the literature in individuals affected with MTMR2-related conditions. ClinVar contains an entry for this variant (Variation ID: 916797). Advanced modeling of protein sequence and biophysical properties (such as structural, functional, and spatial information, amino acid conservation, physicochemical variation, residue mobility, and thermodynamic stability) performed at Invitae indicates that this missense variant is not expected to disrupt MTMR2 protein function. In summary, the available evidence is currently insufficient to determine the role of this variant in disease. Therefore, it has been classified as a Variant of Uncertain Significance.

Molecular Genetics Laboratory, London Health Sciences Centre
Classification: Uncertain significance for Charcot-Marie-Tooth disease. Review status: criteria provided, single submitter. Criteria: ACMG Guidelines, 2015. Collection method: clinical testing. Allele origin: germline. Affected: yes.